The following is an entry in ClinVar:

ClinVar aggregate classification (germline): Uncertain significance. Review status: criteria provided, multiple submitters, no conflicts (2 of 4 stars). 2 submissions from 2 submitters: Uncertain significance (2). Last evaluated 2025-04-02.

Conditions:
Catecholaminergic polymorphic ventricular tachycardia 1. Also called: VENTRICULAR TACHYCARDIA, CATECHOLAMINERGIC POLYMORPHIC, 1, WITH OR WITHOUT ATRIAL DYSFUNCTION AND/OR DILATED CARDIOMYOPATHY; RYR2-Related Catecholaminergic Polymorphic Ventricular Tachycardia; VENTRICULAR TACHYCARDIA, STRESS-INDUCED POLYMORPHIC 1. Identifiers: Orphanet 3286, MedGen C1631597, MONDO:0011484, OMIM 604772.

Submissions (2):

Labcorp Genetics (formerly Invitae), Labcorp
Classification: Uncertain significance for Catecholaminergic polymorphic ventricular tachycardia 1. Last evaluated: 2025-04-02. Review status: criteria provided, single submitter. Criteria: Invitae Variant Classification Sherloc (09022015). Collection method: clinical testing. Allele origin: germline.
Comment: This sequence change replaces aspartic acid, which is acidic and polar, with asparagine, which is neutral and polar, at codon 61 of the RYR2 protein (p.Asp61Asn). This variant is not present in population databases (gnomAD no frequency). This variant has not been reported in the literature in individuals affected with RYR2-related conditions. Invitae Evidence Modeling of protein sequence and biophysical properties (such as structural, functional, and spatial information, amino acid conservation, physicochemical variation, residue mobility, and thermodynamic stability) has been performed for this missense variant. However, the output from this modeling did not meet the statistical confidence thresholds required to predict the impact of this variant on RYR2 protein function. In summary, the available evidence is currently insufficient to determine the role of this variant in disease. Therefore, it has been classified as a Variant of Uncertain Significance.

Blueprint Genetics
Classification: Uncertain significance. Last evaluated: 2019-12-08. Review status: criteria provided, single submitter. Criteria: ACMG Guidelines, 2015. Collection method: clinical testing. Allele origin: germline.

NM_001035.3(RYR2):c.181G>A (p.Asp61Asn)

Gene: RYR2 (ryanodine receptor 2; plus strand). Cytogenetic location: 1q43.
Variant type: single nucleotide variant.
Coding change: c.181G>A on transcript NM_001035.3 (MANE Select); coding-DNA position 181, G replaced by A.
Protein change: p.Asp61Asn; replaces aspartic acid 61 with asparagine.
Molecular consequence: missense variant.
Genome position (GRCh38, 1-based): chr1:237,330,890, G>A. VCF-style: chr1-237330890-G-A. GRCh37 (hg19) VCF-style: chr1-237494190-G-A.
Other names: short protein forms D61N.
Identifiers: ClinVar variation 4800046 (VCV004800046.2).
Genomic context (GRCh38, chr1:237,330,890, plus strand): 5'-TGCTTGATGAAGATGATGCTGCTGACTGCTCTTCCTCTTTCTGTGCAGAATGTGCCCCCA[G>A]ACCTCTCCATCTGCACCTTTGTGCTGGAGCAGTCCCTCTCTGTCCGGGCGCTGCAGGAGA-3'
Protein context (NP_001026.2, residues 51-71): STSNSKNVPP[Asp61Asn]LSICTFVLEQ